The following is an entry in ClinVar:

ClinVar aggregate classification (germline): Likely pathogenic (1 of 4 stars; one submission).

Conditions:
Ellis-van Creveld syndrome (EVC). Also called: Chondroectodermal dysplasia; EVC-Related Ellis-van Creveld Syndrome; EVC2-Related Ellis-van Creveld Syndrome; MESOECTODERMAL DYSPLASIA. Identifiers: Orphanet 289, MedGen C0013903, MONDO:0009162, OMIM 225500.

Submission:

Natera, Inc.
Classification: Likely pathogenic for Ellis-van Creveld syndrome. Last evaluated: 2025-01-08. Review status: criteria provided, single submitter. Criteria: Natera Variant Classification Schema (03/2026). Collection method: clinical testing. Allele origin: germline.
Comment: The c.496C>T variant in EVC is a nonsense variant predicted to introduce a stop codon at amino acid 166. This variant is expected to result in nonsense mediated decay, truncation, or a dysfunctional protein product. This variant is rare in the general population with a frequency below the threshold expected for the associated phenotype(s). Given the available evidence, this variant is classified as Likely Pathogenic.

NM_153717.3(EVC):c.496C>T (p.Gln166Ter)

Gene: EVC (EvC ciliary complex subunit 1; plus strand). Cytogenetic location: 4p16.2.
Variant type: single nucleotide variant.
Coding change: c.496C>T on transcript NM_153717.3 (MANE Select); coding-DNA position 496, C replaced by T.
Protein change: p.Gln166Ter; replaces glutamine 166 with a stop codon.
Molecular consequence: nonsense.
Genome position (GRCh38, 1-based): chr4:5,731,536, C>T. VCF-style: chr4-5731536-C-T. GRCh37 (hg19) VCF-style: chr4-5733263-C-T.
Other names: c.496C>T, p.Gln166Ter (NM_001306090.2, NM_001306092.2); short protein forms Q166*.
Identifiers: ClinVar variation 4067570 (VCV004067570.2).